The following is an entry in ClinVar:

ClinVar aggregate classification (germline): Uncertain significance (1 of 4 stars; one submission).

Allele frequency attached by ClinVar (database versions not stated): gnomAD exomes below 0.00001.
gnomAD v4.1: 4 of 1,612,818 alleles (0.00025%); highest among the groups gnomAD compares: Non-Finnish European, 0.00034%; no homozygotes.

Submission:

Labcorp Genetics (formerly Invitae), Labcorp
Classification: Uncertain significance. Last evaluated: 2022-04-15. Review status: criteria provided, single submitter. Criteria: Invitae Variant Classification Sherloc (09022015). Collection method: clinical testing. Allele origin: germline.
Comment: Algorithms developed to predict the effect of missense changes on protein structure and function are either unavailable or do not agree on the potential impact of this missense change (SIFT: "Deleterious"; PolyPhen-2: "Probably Damaging"; Align-GVGD: "Class C0"). In summary, the available evidence is currently insufficient to determine the role of this variant in disease. Therefore, it has been classified as a Variant of Uncertain Significance. This variant has not been reported in the literature in individuals affected with ANLN-related conditions. This sequence change replaces threonine, which is neutral and polar, with isoleucine, which is neutral and non-polar, at codon 936 of the ANLN protein (p.Thr936Ile). This variant is not present in population databases (gnomAD no frequency).

NM_018685.5(ANLN):c.2807C>T (p.Thr936Ile)

Gene: ANLN (anillin, actin binding protein; plus strand). Cytogenetic location: 7p14.2.
Variant type: single nucleotide variant.
Coding change: c.2807C>T on transcript NM_018685.5 (MANE Select); coding-DNA position 2807, C replaced by T.
Protein change: p.Thr936Ile; replaces threonine 936 with isoleucine.
Molecular consequence: missense variant.
Genome position (GRCh38, 1-based): chr7:36,426,952, C>T. VCF-style: chr7-36426952-C-T. GRCh37 (hg19) VCF-style: chr7-36466561-C-T.
Other names: c.2696C>T, p.Thr899Ile (NM_001284301.3); c.2693C>T, p.Thr898Ile (NM_001284302.3); short protein forms T899I, T898I, T936I.
Identifiers: ClinVar variation 1964315 (VCV001964315.5), dbSNP rs2534656528, ClinGen allele CA367214761.